The following is an entry in ClinVar:

NM_000337.6(SGCD):c.73G>C (p.Val25Leu)

Gene: SGCD (sarcoglycan delta; plus strand). Cytogenetic location: 5q33.3.
Variant type: single nucleotide variant.
Coding change: c.73G>C on transcript NM_000337.6 (MANE Select); coding-DNA position 73, G replaced by C.
Protein change: p.Val25Leu; replaces valine 25 with leucine.
Molecular consequence: missense variant.
Genome position (GRCh38, 1-based): chr5:156,344,558, G>C. VCF-style: chr5-156344558-G-C. GRCh37 (hg19) VCF-style: chr5-155771568-G-C.
Other names: c.70G>C, p.Val24Leu (NM_001128209.2); c.73G>C, p.Val25Leu (NM_172244.3); short protein forms V24L, V25L.
Identifiers: ClinVar variation 4163693 (VCV004163693.1).

ClinVar aggregate classification (germline): Uncertain significance (1 of 4 stars; one submission).

Conditions:
Inborn genetic diseases. Identifiers: MedGen C0950123, MeSH D030342.

Submission:

Ambry Genetics
Classification: Uncertain significance for Inborn genetic diseases. Last evaluated: 2025-07-12. Review status: criteria provided, single submitter. Criteria: Ambry Variant Classification Scheme 2023. Collection method: clinical testing. Allele origin: germline.
Comment: The p.V25L variant (also known as c.73G>C), located in coding exon 2 of the SGCD gene, results from a G to C substitution at nucleotide position 73. The valine at codon 25 is replaced by leucine, an amino acid with highly similar properties. This amino acid position is conserved. In addition, this alteration is predicted to be deleterious by in silico analysis. Based on the available evidence, the clinical significance of this variant remains unclear.